The following is an entry in ClinVar:

ClinVar aggregate classification (germline): Pathogenic. Review status: criteria provided, multiple submitters, no conflicts (2 of 4 stars). 4 submissions from 4 submitters: Pathogenic (4). Last evaluated 2025-06-17.

Conditions:
Familial adenomatous polyposis 1 (FAP1). Also called: POLYPOSIS, ADENOMATOUS INTESTINAL; FAMILIAL ADENOMATOUS POLYPOSIS 1, ATTENUATED. Identifiers: MedGen C2713442, MONDO:0021056, OMIM 175100. Disease mechanism: loss of function.
Inherited polyposis and early onset colorectal cancer - germline testing.
APC-Associated Polyposis Disorders.
Hereditary cancer-predisposing syndrome. Also called: Hereditary neoplastic syndrome; Neoplastic Syndromes, Hereditary; Tumor predisposition; Hereditary Cancer Syndrome. Identifiers: Orphanet 140162, MedGen C0027672, MeSH D009386, MONDO:0015356.

Submissions (4):

Ambry Genetics
Classification: Pathogenic for Hereditary cancer-predisposing syndrome. Last evaluated: 2025-06-17. Review status: criteria provided, single submitter. Criteria: Ambry Variant Classification Scheme 2023. Collection method: clinical testing. Allele origin: germline.
Comment: The p.Q233* pathogenic mutation (also known as c.697C>T), located in coding exon 6 of the APC gene, results from a C to T substitution at nucleotide position 697. This changes the amino acid from a glutamine to a stop codon within coding exon 6. This variant was reported in individual(s) with features consistent with APC-related familial adenomatous polyposis (Smith-Ravin J et al. J. Med. Genet., 1994 Nov;31:888-90; Wallis YL et al. J. Med. Genet., 1999 Jan;36:14-20; Ambry internal data). This variant is considered to be rare based on population cohorts in the Genome Aggregation Database (gnomAD). In addition to the clinical data presented in the literature, this alteration is expected to result in loss of function by premature protein truncation or nonsense-mediated mRNA decay. As such, this alteration is interpreted as a disease-causing mutation.

Cambridge Genomics Laboratory, East Genomic Laboratory Hub, NHS Genomic Medicine Service
Classification: Pathogenic for Inherited polyposis and early onset colorectal cancer - germline testing. Last evaluated: 2025-04-11. Review status: criteria provided, single submitter. Criteria: ACGS Best Practice Guidelines for Variant Classification in Rare Disease 2020. Collection method: clinical testing. Allele origin: germline. Affected: yes.
Comment: PVS1,PS4_Supporting,PM2_Supporting

Labcorp Genetics (formerly Invitae), Labcorp
Classification: Pathogenic for Familial adenomatous polyposis 1. Last evaluated: 2024-07-26. Review status: criteria provided, single submitter. Criteria: Invitae Variant Classification Sherloc (09022015). Collection method: clinical testing. Allele origin: germline.
Comment: This sequence change creates a premature translational stop signal (p.Gln233*) in the APC gene. It is expected to result in an absent or disrupted protein product. Loss-of-function variants in APC are known to be pathogenic (PMID: 17963004, 20685668). This variant is not present in population databases (gnomAD no frequency). This premature translational stop signal has been observed in individual(s) with familial adenomatous polyposis (PMID: 7853377, 11559652, 20564245). ClinVar contains an entry for this variant (Variation ID: 470070). For these reasons, this variant has been classified as Pathogenic.

Myriad Genetics, Inc.
Classification: Pathogenic for Familial adenomatous polyposis 1. Last evaluated: 2023-04-27. Review status: criteria provided, single submitter. Criteria: Myriad Autosomal Dominant, Autosomal Recessive and X-Linked Classification Criteria (2023). Collection method: clinical testing. Allele origin: unknown.
Comment: This variant is considered pathogenic. This variant creates a termination codon and is predicted to result in premature protein truncation.

Literature cited by the submitters: PubMed 7853377 (cited by Ambry Genetics and Labcorp Genetics (formerly Invitae), Labcorp); PubMed 9950360 (cited by Ambry Genetics); PubMed 17963004 (cited by Labcorp Genetics (formerly Invitae), Labcorp); PubMed 20685668 (cited by Labcorp Genetics (formerly Invitae), Labcorp); PubMed 11559652 (cited by Labcorp Genetics (formerly Invitae), Labcorp); PubMed 20564245 (cited by Labcorp Genetics (formerly Invitae), Labcorp).

NM_000038.6(APC):c.697C>T (p.Gln233Ter)

Gene: APC (APC regulator of Wnt signaling pathway; plus strand). Cytogenetic location: 5q22.2.
Variant type: single nucleotide variant.
Coding change: c.697C>T on transcript NM_000038.6 (MANE Select); coding-DNA position 697, C replaced by T.
Protein change: p.Gln233Ter; replaces glutamine 233 with a stop codon.
Molecular consequence: nonsense. On other transcripts: 5 prime UTR variant (1), intron variant (2).
Genome position (GRCh38, 1-based): chr5:112,792,497, C>T. VCF-style: chr5-112792497-C-T. GRCh37 (hg19) VCF-style: chr5-112128194-C-T.
Other names: c.697C>T, p.Gln233Ter (NM_001127510.3, NM_001354895.2, NM_001354896.2 and 1 more transcripts); c.727C>T, p.Gln243Ter (NM_001354897.2, NM_001354902.2); c.622C>T, p.Gln208Ter (NM_001354898.2, NM_001354904.2); c.520C>T, p.Gln174Ter (NM_001354900.2, NM_001354901.2, NM_001354905.2); c.-339C>T (NM_001354906.2); c.676-8782C>T (NM_001127511.3); c.646-8782C>T (NM_001354899.2); short protein forms Q233*, Q174*, Q243*, Q208*.
Identifiers: ClinVar variation 470070 (VCV000470070.18), dbSNP rs1554074772, ClinGen allele CA16022857.